The following is an entry in ClinVar:

NM_004168.4(SDHA):c.1279G>A (p.Gly427Ser)

Gene: SDHA (succinate dehydrogenase complex flavoprotein subunit A; plus strand). Cytogenetic location: 5p15.33.
Variant type: single nucleotide variant.
Coding change: c.1279G>A on transcript NM_004168.4 (MANE Select); coding-DNA position 1279, G replaced by A.
Protein change: p.Gly427Ser; replaces glycine 427 with serine.
Molecular consequence: missense variant.
Genome position (GRCh38, 1-based): chr5:236,446, G>A. VCF-style: chr5-236446-G-A. GRCh37 (hg19) VCF-style: chr5-236561-G-A.
Other names: c.1135G>A, p.Gly379Ser (NM_001294332.2); c.1279G>A, p.Gly427Ser (NM_001330758.2); short protein forms G379S, G427S.
Identifiers: ClinVar variation 3316861 (VCV003316861.1).

ClinVar aggregate classification (germline): Uncertain significance (1 of 4 stars; one submission).

Conditions:
Hereditary cancer-predisposing syndrome. Also called: Neoplastic Syndromes, Hereditary; Tumor predisposition; Hereditary neoplastic syndrome; Hereditary Cancer Syndrome. Identifiers: Orphanet 140162, MedGen C0027672, MeSH D009386, MONDO:0015356.

Submission:

Ambry Genetics
Classification: Uncertain significance for Hereditary cancer-predisposing syndrome. Last evaluated: 2024-06-23. Review status: criteria provided, single submitter. Criteria: Ambry Variant Classification Scheme 2023. Collection method: clinical testing. Allele origin: germline.
Comment: The p.G427S variant (also known as c.1279G>A), located in coding exon 10 of the SDHA gene, results from a G to A substitution at nucleotide position 1279. The glycine at codon 427 is replaced by serine, an amino acid with similar properties. This amino acid position is conserved. In addition, the in silico prediction for this alteration is inconclusive. Based on the available evidence, the clinical significance of this variant remains unclear.